The following is an entry in ClinVar:

NM_025257.3(SLC44A4):c.1822G>A (p.Gly608Arg)

Gene: SLC44A4 (solute carrier family 44 member 4; minus strand). Cytogenetic location: 6p21.33.
Variant type: single nucleotide variant.
Coding change: c.1822G>A on transcript NM_025257.3 (MANE Select); coding-DNA position 1822, G replaced by A.
Protein change: p.Gly608Arg; replaces glycine 608 with arginine.
Molecular consequence: missense variant.
Genome position (GRCh38, 1-based): chr6:31,865,019, C>T on the plus strand (G>A on the coding strand, the complement: SLC44A4 is on the minus strand). VCF-style: chr6-31865019-C-T. GRCh37 (hg19) VCF-style: chr6-31832796-C-T.
Other names: c.1696G>A, p.Gly566Arg (NM_001178044.2); c.1594G>A, p.Gly532Arg (NM_001178045.2); c.1822G>A, p.Gly608Arg (NM_032794.1); short protein forms G608R, G566R, G532R.
Identifiers: ClinVar variation 2915772 (VCV002915772.3), dbSNP rs747350619, ClinGen allele CA136929771.

ClinVar aggregate classification (germline): Uncertain significance (1 of 4 stars; one submission).

Allele frequency attached by ClinVar (database versions not stated): gnomAD exomes 0.00001; gnomAD 0.00003; TOPMed 0.00003.

Submission:

Labcorp Genetics (formerly Invitae), Labcorp
Classification: Uncertain significance. Last evaluated: 2023-12-14. Review status: criteria provided, single submitter. Criteria: Invitae Variant Classification Sherloc (09022015). Collection method: clinical testing. Allele origin: germline.
Comment: This sequence change replaces glycine, which is neutral and non-polar, with arginine, which is basic and polar, at codon 608 of the SLC44A4 protein (p.Gly608Arg). This variant is present in population databases (rs747350619, gnomAD 0.01%). This variant has not been reported in the literature in individuals affected with SLC44A4-related conditions. Advanced modeling of protein sequence and biophysical properties (such as structural, functional, and spatial information, amino acid conservation, physicochemical variation, residue mobility, and thermodynamic stability) performed at Invitae indicates that this missense variant is expected to disrupt SLC44A4 protein function with a positive predictive value of 80%. In summary, the available evidence is currently insufficient to determine the role of this variant in disease. Therefore, it has been classified as a Variant of Uncertain Significance.